The following is an entry in ClinVar:

ClinVar aggregate classification (germline): Benign. Review status: criteria provided, multiple submitters, no conflicts (2 of 4 stars). 9 submissions from 9 submitters: Benign (9). Last evaluated 2026-02-04.

Conditions:
Ornithine carbamoyltransferase deficiency (OTCD). Also called: ORNITHINE TRANSCARBAMYLASE DEFICIENCY, HYPERAMMONEMIA DUE TO; ORNITHINE TRANSCARBAMYLASE DEFICIENCY; Ornithine Carbamoyltransferase Deficiency Disease; OTC DEFICIENCY. Identifiers: Orphanet 664, MedGen C0268542, MONDO:0010703, OMIM 311250.

Allele frequency attached by ClinVar (database versions not stated): gnomAD exomes 0.00567 and 0.01681; ExAC 0.02067; gnomAD 0.05498 and 0.05854; 1000 Genomes Project 0.05801; 1000 Genomes Project 30x 0.06098; TOPMed 0.06386; ESP Exome Variant Server 0.06922.
gnomAD v4.1: 12,697 of 1,208,527 alleles (1.1%); highest among the groups gnomAD compares: African/African-American, 19%; 879 homozygotes.

Submissions (9):

Labcorp Genetics (formerly Invitae), Labcorp
Classification: Benign for Ornithine carbamoyltransferase deficiency. Last evaluated: 2026-02-04. Review status: criteria provided, single submitter. Criteria: Invitae Variant Classification Sherloc (09022015). Collection method: clinical testing. Allele origin: germline.

Women's Health and Genetics/Laboratory Corporation of America, LabCorp
Classification: Benign. Last evaluated: 2025-11-14. Review status: criteria provided, single submitter. Criteria: LabCorp Variant Classification Summary - May 2015. Collection method: clinical testing. Allele origin: germline.

Color Diagnostics, LLC DBA Color Health
Classification: Benign for Ornithine carbamoyltransferase deficiency. Last evaluated: 2022-04-28. Review status: criteria provided, single submitter. Criteria: ACMG Guidelines, 2015. Collection method: clinical testing. Allele origin: germline.

ARUP Laboratories, Molecular Genetics and Genomics, ARUP Laboratories
Classification: Benign for Ornithine carbamoyltransferase deficiency. Last evaluated: 2019-04-12. Review status: criteria provided, single submitter. Criteria: ARUP Molecular Germline Variant Investigation Process. Collection method: clinical testing. Allele origin: germline.

Illumina Laboratory Services, Illumina
Classification: Benign for Ornithine carbamoyltransferase deficiency. Last evaluated: 2018-01-13. Review status: criteria provided, single submitter. Criteria: ICSL Variant Classification Criteria 13 December 2019. Collection method: clinical testing. Allele origin: germline.
Comment: This variant was observed in the ICSL laboratory as part of a predisposition screen in an ostensibly healthy population. It had not been previously curated by ICSL or reported in the Human Gene Mutation Database (HGMD: prior to June 1st, 2018), and was therefore a candidate for classification through an automated scoring system. Utilizing variant allele frequency, disease prevalence and penetrance estimates, and inheritance mode, an automated score was calculated to assess if this variant is too frequent to cause the disease. Based on the score and internal cut-off values, a variant classified as benign is not then subjected to further curation. The score for this variant resulted in a classification of benign for this disease.

GeneDx
Classification: Benign. Last evaluated: 2015-03-03. Review status: criteria provided, single submitter. Criteria: GeneDx Variant Classification Process June 2021. Collection method: clinical testing. Allele origin: germline. Affected: yes.

Eurofins Ntd Llc (ga)
Classification: Benign. Last evaluated: 2013-06-10. Review status: criteria provided, single submitter. Criteria: EGL Classification Definitions 2015. Collection method: clinical testing. Allele origin: germline. Observed: 3 variant alleles, 3 heterozygotes.

Breakthrough Genomics
Classification: Benign. Review status: criteria provided, single submitter. Criteria: ACMG Guidelines, 2015. Collection method: not provided. Allele origin: germline. Inheritance: X-linked inheritance. Affected: yes.

PreventionGenetics, part of Exact Sciences
Classification: Benign. Review status: criteria provided, single submitter. Criteria: ACMG Guidelines, 2015. Collection method: clinical testing. Allele origin: germline.

NM_000531.6(OTC):c.718-14T>C

Gene: OTC (ornithine transcarbamylase; plus strand). Cytogenetic location: Xp11.4.
Variant type: single nucleotide variant.
Coding change: c.718-14T>C on transcript NM_000531.6 (MANE Select); 14 bases into the intron before coding-DNA position 718, T replaced by C.
Molecular consequence: intron variant.
Genome position (GRCh38, 1-based): chrX:38,408,862, T>C. VCF-style: chrX-38408862-T-C. GRCh37 (hg19) VCF-style: chrX-38268115-T-C.
Identifiers: ClinVar variation 93223 (VCV000093223.31), dbSNP rs55722856, ClinGen allele CA146751.